The following continues an entry in ClinVar:

NM_000282.4(PCCA):c.1651G>T (p.Val551Phe)

Gene: PCCA. ClinVar aggregate classification (germline): Conflicting classifications of pathogenicity. Uncertain significance (1); Benign (2); Likely benign (5).

Submissions 31 to 44 of 44:

Dr. Peter K. Rogan Lab, Western University
No classification provided (evidence only). Condition: Thymoma. Review status: no classification provided. Collection method: in vitro. Allele origin: not applicable. Functional consequence: skipped exon, retained intron. Not counted in ClinVar's aggregate classification.

Dr. Peter K. Rogan Lab, Western University
No classification provided (evidence only). Condition: Ovarian serous cystadenocarcinoma. Review status: no classification provided. Collection method: in vitro. Allele origin: not applicable. Functional consequence: skipped exon. Not counted in ClinVar's aggregate classification.

Dr. Peter K. Rogan Lab, Western University
No classification provided (evidence only). Condition: Ovarian serous cystadenocarcinoma. Review status: no classification provided. Collection method: in vitro. Allele origin: not applicable. Functional consequence: skipped exon. Not counted in ClinVar's aggregate classification.

Dr. Peter K. Rogan Lab, Western University
No classification provided (evidence only). Condition: Ovarian serous cystadenocarcinoma. Review status: no classification provided. Collection method: in vitro. Allele origin: not applicable. Functional consequence: skipped exon. Not counted in ClinVar's aggregate classification.

Dr. Peter K. Rogan Lab, Western University
No classification provided (evidence only). Condition: Gastric cancer. Review status: no classification provided. Collection method: in vitro. Allele origin: not applicable. Functional consequence: skipped exon. Not counted in ClinVar's aggregate classification.

Dr. Peter K. Rogan Lab, Western University
No classification provided (evidence only). Condition: Gastric cancer. Review status: no classification provided. Collection method: in vitro. Allele origin: not applicable. Functional consequence: skipped exon. Not counted in ClinVar's aggregate classification.

Dr. Peter K. Rogan Lab, Western University
No classification provided (evidence only). Condition: Gastric cancer. Review status: no classification provided. Collection method: in vitro. Allele origin: not applicable. Functional consequence: skipped exon. Not counted in ClinVar's aggregate classification.

Dr. Peter K. Rogan Lab, Western University
No classification provided (evidence only). Condition: Gastric cancer. Review status: no classification provided. Collection method: in vitro. Allele origin: not applicable. Functional consequence: skipped exon, retained intron. Not counted in ClinVar's aggregate classification.

Dr. Peter K. Rogan Lab, Western University
No classification provided (evidence only). Condition: Adrenocortical carcinoma, hereditary. Review status: no classification provided. Collection method: in vitro. Allele origin: not applicable. Functional consequence: skipped exon. Not counted in ClinVar's aggregate classification.

Dr. Peter K. Rogan Lab, Western University
No classification provided (evidence only). Condition: Uterine carcinosarcoma. Review status: no classification provided. Collection method: in vitro. Allele origin: not applicable. Functional consequence: skipped exon, retained intron. Not counted in ClinVar's aggregate classification.

Dr. Peter K. Rogan Lab, Western University
No classification provided (evidence only). Condition: Uterine carcinosarcoma. Review status: no classification provided. Collection method: in vitro. Allele origin: not applicable. Functional consequence: retained intron. Not counted in ClinVar's aggregate classification.

Dr. Peter K. Rogan Lab, Western University
No classification provided (evidence only). Condition: Uveal melanoma. Review status: no classification provided. Collection method: in vitro. Allele origin: not applicable. Functional consequence: skipped exon, retained intron. Not counted in ClinVar's aggregate classification.

Dr. Peter K. Rogan Lab, Western University
No classification provided (evidence only). Condition: Malignant tumor of esophagus. Review status: no classification provided. Collection method: in vitro. Allele origin: not applicable. Functional consequence: retained intron. Not counted in ClinVar's aggregate classification.

GeneReviews
No classification provided. Condition: Propionic acidemia. Review status: no classification provided. Collection method: literature only. Allele origin: unknown. Not counted in ClinVar's aggregate classification.

Literature cited by the submitters: PubMed 12559849 (cited by Illumina Laboratory Services, Illumina); PubMed 22593918 (cited by GeneReviews); NCBI Bookshelf NBK92946 (cited by GeneReviews).